The following is an entry in ClinVar:

NM_017999.5(RNF31):c.554A>C (p.Asp185Ala)

Gene: RNF31 (ring finger protein 31; plus strand). Cytogenetic location: 14q12.
Variant type: single nucleotide variant.
Coding change: c.554A>C on transcript NM_017999.5 (MANE Select); coding-DNA position 554, A replaced by C.
Protein change: p.Asp185Ala; replaces aspartic acid 185 with alanine.
Molecular consequence: missense variant.
Genome position (GRCh38, 1-based): chr14:24,148,700, A>C. VCF-style: chr14-24148700-A-C. GRCh37 (hg19) VCF-style: chr14-24617909-A-C.
Other names: c.101A>C, p.Asp34Ala (NM_001310332.2); short protein forms D185A, D34A.
Identifiers: ClinVar variation 1519907 (VCV001519907.6), dbSNP rs764994726, ClinGen allele CA7125523.

ClinVar aggregate classification (germline): Uncertain significance (1 of 4 stars; one submission).

Allele frequency attached by ClinVar (database versions not stated): gnomAD 0.00001.

Submission:

Labcorp Genetics (formerly Invitae), Labcorp
Classification: Uncertain significance. Last evaluated: 2024-02-26. Review status: criteria provided, single submitter. Criteria: Invitae Variant Classification Sherloc (09022015). Collection method: clinical testing. Allele origin: germline.
Comment: This sequence change replaces aspartic acid, which is acidic and polar, with alanine, which is neutral and non-polar, at codon 185 of the RNF31 protein (p.Asp185Ala). This variant is present in population databases (rs764994726, gnomAD 0.003%). This variant has not been reported in the literature in individuals affected with RNF31-related conditions. ClinVar contains an entry for this variant (Variation ID: 1519907). An algorithm developed to predict the effect of missense changes on protein structure and function (PolyPhen-2) suggests that this variant is likely to be tolerated. Algorithms developed to predict the effect of sequence changes on RNA splicing suggest that this variant may disrupt the consensus splice site. In summary, the available evidence is currently insufficient to determine the role of this variant in disease. Therefore, it has been classified as a Variant of Uncertain Significance.